The following is an entry in ClinVar:

NM_177438.3(DICER1):c.4352G>A (p.Arg1451Lys)

Gene: DICER1 (dicer 1, ribonuclease III; minus strand). Cytogenetic location: 14q32.13.
Variant type: single nucleotide variant.
Coding change: c.4352G>A on transcript NM_177438.3 (MANE Select); coding-DNA position 4352, G replaced by A.
Protein change: p.Arg1451Lys; replaces arginine 1451 with lysine.
Molecular consequence: missense variant.
Genome position (GRCh38, 1-based): chr14:95,096,568, C>T on the plus strand (G>A on the coding strand, the complement: DICER1 is on the minus strand). VCF-style: chr14-95096568-C-T. GRCh37 (hg19) VCF-style: chr14-95562905-C-T.
Other names: c.4352G>A, p.Arg1451Lys (NM_001195573.1, NM_001271282.3, NM_001291628.2 and 1 more transcripts); short protein forms R1451K.
Identifiers: ClinVar variation 1019407 (VCV001019407.12), dbSNP rs1890362623, ClinGen allele CA390869166.

ClinVar aggregate classification (germline): Conflicting classifications of pathogenicity. Review status: criteria provided, conflicting classifications (1 of 4 stars). 2 submissions from 2 submitters: Uncertain significance (1); Likely benign (1). Last evaluated 2021-12-30.

Conditions:
Hereditary cancer-predisposing syndrome. Also called: Hereditary neoplastic syndrome; Neoplastic Syndromes, Hereditary; Tumor predisposition; Hereditary Cancer Syndrome. Identifiers: Orphanet 140162, MedGen C0027672, MeSH D009386, MONDO:0015356.
DICER1-related tumor predisposition. Also called: DICER1 syndrome; DICER1-related pleuropulmonary blastoma cancer predisposition syndrome. Identifiers: Orphanet 284343, MedGen C3839822, MONDO:0100216.

Submissions (2):

Ambry Genetics
Classification: Likely benign for Hereditary cancer-predisposing syndrome. Last evaluated: 2021-12-30. Review status: criteria provided, single submitter. Criteria: Ambry Variant Classification Scheme 2023. Collection method: clinical testing. Allele origin: germline.

Labcorp Genetics (formerly Invitae), Labcorp
Classification: Uncertain significance for DICER1-related tumor predisposition. Last evaluated: 2020-08-16. Review status: criteria provided, single submitter. Criteria: Invitae Variant Classification Sherloc (09022015). Collection method: clinical testing. Allele origin: germline.
Comment: This sequence change replaces arginine with lysine at codon 1451 of the DICER1 protein (p.Arg1451Lys). The arginine residue is weakly conserved and there is a small physicochemical difference between arginine and lysine. This variant is not present in population databases (ExAC no frequency). In summary, the available evidence is currently insufficient to determine the role of this variant in disease. Therefore, it has been classified as a Variant of Uncertain Significance. Algorithms developed to predict the effect of missense changes on protein structure and function output the following: SIFT: "Tolerated"; PolyPhen-2: "Benign"; Align-GVGD: "Class C0". The lysine amino acid residue is found in multiple mammalian species, suggesting that this missense change does not adversely affect protein function. These predictions have not been confirmed by published functional studies and their clinical significance is uncertain. This variant has not been reported in the literature in individuals with DICER1-related conditions.